The following is an entry in ClinVar:

NM_015046.7(SETX):c.60C>T (p.Arg20=)

Gene: SETX (senataxin; minus strand). Cytogenetic location: 9q34.13.
Variant type: single nucleotide variant.
Coding change: c.60C>T on transcript NM_015046.7 (MANE Select); coding-DNA position 60, C replaced by T.
Protein change: p.Arg20=; no amino-acid change (arginine 20 retained).
Molecular consequence: synonymous variant.
Genome position (GRCh38, 1-based): chr9:132,349,369, G>A on the plus strand (C>T on the coding strand, the complement: SETX is on the minus strand). VCF-style: chr9-132349369-G-A. GRCh37 (hg19) VCF-style: chr9-135224756-G-A.
Other names: c.60C>T, p.Arg20= (NM_001351527.2, NM_001351528.2).
Identifiers: ClinVar variation 365379 (VCV000365379.10), dbSNP rs553346505, ClinGen allele CA5298141.

ClinVar aggregate classification (germline): Conflicting classifications of pathogenicity. Review status: criteria provided, conflicting classifications (1 of 4 stars). 4 submissions from 3 submitters: Uncertain significance (2); Likely benign (2). Last evaluated 2019-09-01.

Conditions:
Spinocerebellar ataxia, autosomal recessive, with axonal neuropathy 2 (SCAN2). Also called: ATAXIA-OCULOMOTOR APRAXIA 2; Ataxia-ocular apraxia-2; Ataxia with Oculomotor Apraxia; Ataxia with Oculomotor Apraxia Type 2. Identifiers: Orphanet 64753, MedGen C1853761, MONDO:0018996, OMIM 606002.
Amyotrophic lateral sclerosis type 4 (ALS4). Also called: AMYOTROPHIC LATERAL SCLEROSIS 4, JUVENILE; NEURONOPATHY, DISTAL HEREDITARY MOTOR, WITH PYRAMIDAL FEATURES. Identifiers: Orphanet 357043, MedGen C1865409, MONDO:0011223, OMIM 602433.
Hereditary spastic paraplegia. Also called: Familial spastic paraparesis. Identifiers: Orphanet 685, MedGen C0037773, MONDO:0019064. Disease mechanism: loss of function.
Inborn genetic diseases. Identifiers: MedGen C0950123, MeSH D030342.

Allele frequency attached by ClinVar (database versions not stated): gnomAD below 0.00001 and 0.00003; gnomAD exomes 0.00002 and 0.00004; ExAC 0.00006; 1000 Genomes Project 30x 0.00016; 1000 Genomes Project 0.00020.
gnomAD v4.1: 29 of 1,614,148 alleles (0.0018%); highest among the groups gnomAD compares: South Asian, 0.03%; no homozygotes.

Submissions (4):

Genome Diagnostics Laboratory, The Hospital for Sick Children
Classification: Uncertain significance for Hereditary spastic paraplegia. Last evaluated: 2019-09-01. Review status: criteria provided, single submitter. Criteria: ACMG Guidelines, 2015. Collection method: clinical testing. Allele origin: germline. Affected: yes.

Ambry Genetics
Classification: Likely benign for Inborn genetic diseases. Last evaluated: 2019-07-11. Review status: criteria provided, single submitter. Criteria: Ambry Variant Classification Scheme 2023. Collection method: clinical testing. Allele origin: germline.

Illumina Laboratory Services, Illumina
Classification: Uncertain significance for Spinocerebellar ataxia, autosomal recessive, with axonal neuropathy 2. Last evaluated: 2018-01-13. Review status: criteria provided, single submitter. Criteria: ICSL Variant Classification Criteria 13 December 2019. Collection method: clinical testing. Allele origin: germline.

Illumina Laboratory Services, Illumina
Classification: Likely benign for Amyotrophic lateral sclerosis type 4. Last evaluated: 2018-01-13. Review status: criteria provided, single submitter. Criteria: ICSL Variant Classification Criteria 13 December 2019. Collection method: clinical testing. Allele origin: germline.
Comment: This variant was observed in the ICSL laboratory as part of a predisposition screen in an ostensibly healthy population. It had not been previously curated by ICSL or reported in the Human Gene Mutation Database (HGMD: prior to June 1st, 2018), and was therefore a candidate for classification through an automated scoring system. Utilizing variant allele frequency, disease prevalence and penetrance estimates, and inheritance mode, an automated score was calculated to assess if this variant is too frequent to cause the disease. Based on the score and internal cut-off values, a variant classified as likely benign is not then subjected to further curation. The score for this variant resulted in a classification of likely benign for this disease.